The following is an entry in ClinVar:

NM_004006.3(DMD):c.*2563G>A

Gene: DMD (dystrophin; minus strand). Cytogenetic location: Xp21.2.
Variant type: single nucleotide variant.
Coding change: c.*2563G>A on transcript NM_004006.3 (MANE Select); 2563 bases downstream of the stop codon, G replaced by A.
Molecular consequence: 3 prime UTR variant.
Genome position (GRCh38, 1-based): chrX:31,119,356, C>T on the plus strand (G>A on the coding strand, the complement: DMD is on the minus strand). VCF-style: chrX-31119356-C-T. GRCh37 (hg19) VCF-style: chrX-31137473-C-T.
Other names: c.*2563G>A (NM_000109.4, NM_004009.3, NM_004010.3 and 7 more transcripts); c.*2477G>A (NM_004016.3, NM_004018.3, NM_004021.3 and 2 more transcripts).
Identifiers: ClinVar variation 915101 (VCV000915101.4), dbSNP rs188558013, ClinGen allele CA328400437.

ClinVar aggregate classification (germline): Likely benign (1 of 4 stars; one submission).

Conditions:
Dilated cardiomyopathy 3B (CMD3B). Also called: CMD3B: DMD-Related Dilated Cardiomyopathy; CARDIOMYOPATHY, DILATED, X-LINKED; DMD-Associated Dilated Cardiomyopathy. Identifiers: Orphanet 154, MedGen C3668940, MONDO:0010542, OMIM 302045.

Allele frequency attached by ClinVar (database versions not stated): gnomAD 0.00001 and 0.00004; TOPMed 0.00001; 1000 Genomes Project 30x 0.00042; 1000 Genomes Project 0.00053.
gnomAD v4.1: 4 of 111,838 alleles (0.0036%); highest among the groups gnomAD compares: East Asian, 0.11%; no homozygotes.

Submission:

Illumina Laboratory Services, Illumina
Classification: Likely benign for Dilated cardiomyopathy 3B. Last evaluated: 2018-01-13. Review status: criteria provided, single submitter. Criteria: ICSL Variant Classification Criteria 13 December 2019. Collection method: clinical testing. Allele origin: germline.
Comment: This variant was observed in the ICSL laboratory as part of a predisposition screen in an ostensibly healthy population. It had not been previously curated by ICSL or reported in the Human Gene Mutation Database (HGMD: prior to June 1st, 2018), and was therefore a candidate for classification through an automated scoring system. Utilizing variant allele frequency, disease prevalence and penetrance estimates, and inheritance mode, an automated score was calculated to assess if this variant is too frequent to cause the disease. Based on the score and internal cut-off values, a variant classified as likely benign is not then subjected to further curation. The score for this variant resulted in a classification of likely benign for this disease.